The following is an entry in ClinVar:

ClinVar aggregate classification (germline): Uncertain significance (1 of 4 stars; one submission).

Conditions:
Hereditary insensitivity to pain with anhidrosis (CIPA). Also called: INSENSITIVITY TO PAIN, CONGENITAL, WITH ANHIDROSIS; HSAN Type IV; NTRK1 Congenital Insensitivity to Pain with Anhidrosis; FAMILIAL DYSAUTONOMIA, TYPE II; hereditary sensory and autonomic neuropathy type 4; NEUROPATHY, CONGENITAL SENSORY, WITH ANHIDROSIS. Identifiers: Orphanet 642, MedGen C0020074, MONDO:0009746, OMIM 256800.

Allele frequency attached by ClinVar (database versions not stated): gnomAD exomes below 0.00001.
gnomAD v4.1: 4 of 1,614,202 alleles (0.00025%); highest among the groups gnomAD compares: Non-Finnish European, 0.00034%; no homozygotes.

Submission:

Labcorp Genetics (formerly Invitae), Labcorp
Classification: Uncertain significance for Hereditary insensitivity to pain with anhidrosis. Last evaluated: 2021-08-27. Review status: criteria provided, single submitter. Criteria: Invitae Variant Classification Sherloc (09022015). Collection method: clinical testing. Allele origin: germline.
Comment: This sequence change replaces serine with cysteine at codon 277 of the NTRK1 protein (p.Ser277Cys). The serine residue is moderately conserved and there is a moderate physicochemical difference between serine and cysteine. This variant is not present in population databases (ExAC no frequency). This variant has not been reported in the literature in individuals affected with NTRK1-related conditions. Algorithms developed to predict the effect of missense changes on protein structure and function are either unavailable or do not agree on the potential impact of this missense change (SIFT: "Tolerated"; PolyPhen-2: "Possibly Damaging"; Align-GVGD: "Class C15"). In summary, the available evidence is currently insufficient to determine the role of this variant in disease. Therefore, it has been classified as a Variant of Uncertain Significance.

NM_002529.4(NTRK1):c.830C>G (p.Ser277Cys)

Gene: NTRK1 (neurotrophic receptor tyrosine kinase 1; plus strand). Cytogenetic location: 1q23.1.
Variant type: single nucleotide variant.
Coding change: c.830C>G on transcript NM_002529.4 (MANE Select); coding-DNA position 830, C replaced by G.
Protein change: p.Ser277Cys; replaces serine 277 with cysteine.
Molecular consequence: missense variant.
Genome position (GRCh38, 1-based): chr1:156,871,735, C>G. VCF-style: chr1-156871735-C-G. GRCh37 (hg19) VCF-style: chr1-156841527-C-G.
Other names: c.740C>G, p.Ser247Cys (NM_001007792.1); c.830C>G, p.Ser277Cys (NM_001012331.2); short protein forms S247C, S277C.
Identifiers: ClinVar variation 640356 (VCV000640356.8), dbSNP rs1571693652, ClinGen allele CA342935249.